The following is an entry in ClinVar:

ClinVar aggregate classification (germline): Likely pathogenic (1 of 4 stars; one submission).

Conditions:
ATP2B2-related disorder. Also called: ATP2B2-related condition.

Submission:

Rady Children's Institute for Genomic Medicine, Rady Children's Hospital San Diego
Classification: Likely pathogenic for ATP2B2-related disorder. Last evaluated: 2024-02-06. Review status: criteria provided, single submitter. Criteria: ACMG Guidelines, 2015. Collection method: clinical testing. Allele origin: germline. Affected: yes.
Comment: This variant has not been previously reported or functionally characterized in the literature to our knowledge. The ATP2B2 gene is highly constrained (Z-score= 6.29 and pLI = 1), which suggests it is intolerant to variation. The c.1340G>A (p.Gly447Asp) variant is absent from the gnomAD v4 population database and thus is presumed to be rare. The c.1340G>A (p.Gly447Asp) variant affects a highly conserved amino acid and is predicted by multiple in silico tools to have a deleterious effect on protein function. Analysis of the parental samples was negative for the variant, indicating this variant likely occurred as a de novo event. Based on the available evidence, the c.1340G>A (p.Gly447Asp) variant is classified as Likely Pathogenic.

NM_001001331.4(ATP2B2):c.1340G>A (p.Gly447Asp)

Gene: ATP2B2 (ATPase plasma membrane Ca2+ transporting 2; minus strand). Cytogenetic location: 3p25.3.
Variant type: single nucleotide variant.
Coding change: c.1340G>A on transcript NM_001001331.4 (MANE Select); coding-DNA position 1340, G replaced by A.
Protein change: p.Gly447Asp; replaces glycine 447 with aspartic acid.
Molecular consequence: missense variant.
Genome position (GRCh38, 1-based): chr3:10,375,506, C>T on the plus strand (G>A on the coding strand, the complement: ATP2B2 is on the minus strand). VCF-style: chr3-10375506-C-T. GRCh37 (hg19) VCF-style: chr3-10417190-C-T.
Other names: c.1205G>A, p.Gly402Asp (NM_001330611.3, NM_001353564.1, NM_001363862.1 and 1 more transcripts); short protein forms G402D, G447D.
Identifiers: ClinVar variation 3773814 (VCV003773814.1).